The following is an entry in ClinVar:

ClinVar aggregate classification (germline): Conflicting classifications of pathogenicity. Review status: criteria provided, conflicting classifications (1 of 4 stars). 6 submissions from 6 submitters: Uncertain significance (5); Likely benign (1). Last evaluated 2026-04-07.

Conditions:
Hyperkalemic periodic paralysis. Also called: Familial hyperkalemic periodic paralysis; Gamstorp disease. Identifiers: Orphanet 682, MedGen C0238357, MONDO:0008224, OMIM 170500, HP:0007215.
Congenital myasthenic syndrome 16. Identifiers: Orphanet 590, MedGen C3280112, MONDO:0013620, OMIM 614198.
Paramyotonia congenita of Von Eulenburg. Also called: Myotonia congenita intermittens; Von Eulenburg paramyotonia congenita; Paramyotonia Congenita; PARALYSIS PERIODICA PARAMYOTONICA; Eulenburg disease. Identifiers: Orphanet 684, MedGen C0221055, MONDO:0008195, OMIM 168300. Disease mechanism: loss of function.
Congenital myopathy 22A, classic (CMYO22A). Identifiers: MedGen C5830453, MONDO:0957247, OMIM 620351.
Congenital myopathy 22B, severe fetal (CMYO22B). Identifiers: MedGen C5830501, MONDO:0957265, OMIM 620369.
Hypokalemic periodic paralysis, type 2 (HOKPP2). Identifiers: Orphanet 681, MedGen C2750061, MONDO:0013234, OMIM 613345.
Potassium-aggravated myotonia. Also called: Myotonia congenita, atypical, acetazolamide-responsive; MYOTONIA CONGENITA, ACETAZOLAMIDE-RESPONSIVE; MYOTONIA CONGENITA, ATYPICAL; SODIUM CHANNEL MUSCLE DISEASE. Identifiers: Orphanet 612, Orphanet 99734, Orphanet 99735, Orphanet 99736, MedGen C2931826, MONDO:0018959, OMIM 608390.
Inborn genetic diseases. Identifiers: MedGen C0950123, MeSH D030342.
SCN4A-related disorder. Also called: SCN4A-related disorders.

Allele frequency attached by ClinVar (database versions not stated): TOPMed 0.00007; ESP Exome Variant Server 0.00016.
gnomAD v4.1: 278 of 1,591,724 alleles (0.017%); highest among the groups gnomAD compares: Non-Finnish European, 0.022%; 1 homozygote.

Submissions (6):

PreventionGenetics, part of Exact Sciences
Classification: Uncertain significance for SCN4A-related condition. Last evaluated: 2026-04-07. Review status: criteria provided, single submitter. Criteria: ACMG Guidelines, 2015. Collection method: clinical testing. Allele origin: germline.
Comment: The SCN4A c.1585G>T variant is predicted to result in the amino acid substitution p.Gly529Cys. To our knowledge, this variant has not been reported in the literature. This variant is reported in 0.020% of alleles in individuals of European (non-Finnish) descent in gnomAD, including one homozygote which may be too frequent to be a primary cause of disease. Although we suspect that this variant may be benign, at this time, the clinical significance of this variant is uncertain due to the absence of conclusive functional and genetic evidence.

Labcorp Genetics (formerly Invitae), Labcorp
Classification: Likely benign for Hyperkalemic periodic paralysis. Last evaluated: 2025-12-31. Review status: criteria provided, single submitter. Criteria: Invitae Variant Classification Sherloc (09022015). Collection method: clinical testing. Allele origin: germline.

Ambry Genetics
Classification: Uncertain significance for Inborn genetic diseases. Last evaluated: 2025-06-16. Review status: criteria provided, single submitter. Criteria: Ambry Variant Classification Scheme 2023. Collection method: clinical testing. Allele origin: germline.

Revvity Omics, Revvity
Classification: Uncertain significance. Last evaluated: 2025-01-15. Review status: criteria provided, single submitter. Criteria: ACMG Guidelines, 2015. Collection method: clinical testing. Allele origin: germline.

Fulgent Genetics
Classification: Uncertain significance for Paramyotonia congenita of Von Eulenburg; Hyperkalemic periodic paralysis; Potassium-aggravated myotonia; Hypokalemic periodic paralysis, type 2; Congenital myasthenic syndrome 16; Congenital myopathy 22A, classic; Congenital myopathy 22B, severe fetal. Last evaluated: 2024-02-19. Review status: criteria provided, single submitter. Criteria: ACMG Guidelines, 2015. Collection method: clinical testing. Allele origin: germline.

GeneDx
Classification: Uncertain significance. Last evaluated: 2019-04-30. Review status: criteria provided, single submitter. Criteria: GeneDx Variant Classification Process June 2021. Collection method: clinical testing. Allele origin: germline. Affected: yes.
Comment: In silico analysis, which includes protein predictors and evolutionary conservation, supports that this variant does not alter protein structure/function; Has not been previously published as pathogenic or benign to our knowledge

NM_000334.4(SCN4A):c.1585G>T (p.Gly529Cys)

Gene: SCN4A (sodium voltage-gated channel alpha subunit 4; minus strand). Cytogenetic location: 17q23.3.
Variant type: single nucleotide variant.
Coding change: c.1585G>T on transcript NM_000334.4 (MANE Select); coding-DNA position 1585, G replaced by T.
Protein change: p.Gly529Cys; replaces glycine 529 with cysteine.
Molecular consequence: missense variant.
Genome position (GRCh38, 1-based): chr17:63,963,693, C>A on the plus strand (G>T on the coding strand, the complement: SCN4A is on the minus strand). VCF-style: chr17-63963693-C-A. GRCh37 (hg19) VCF-style: chr17-62041053-C-A.
Other names: short protein forms G529C.
Identifiers: ClinVar variation 543814 (VCV000543814.19), dbSNP rs143457794, ClinGen allele CA8709800.